The following is an entry in ClinVar:

NM_003482.4(KMT2D):c.3422C>G (p.Pro1141Arg)

Gene: KMT2D (lysine methyltransferase 2D; minus strand). Cytogenetic location: 12q13.12.
Variant type: single nucleotide variant.
Coding change: c.3422C>G on transcript NM_003482.4 (MANE Select); coding-DNA position 3422, C replaced by G.
Protein change: p.Pro1141Arg; replaces proline 1141 with arginine.
Molecular consequence: missense variant.
Genome position (GRCh38, 1-based): chr12:49,050,166, G>C on the plus strand (C>G on the coding strand, the complement: KMT2D is on the minus strand). VCF-style: chr12-49050166-G-C. GRCh37 (hg19) VCF-style: chr12-49443949-G-C.
Other names: short protein forms P1141R.
Identifiers: ClinVar variation 2869931 (VCV002869931.3), dbSNP rs767735696, ClinGen allele CA236617749.

ClinVar aggregate classification (germline): Uncertain significance (1 of 4 stars; one submission).

Conditions:
Kabuki syndrome. Also called: NIIKAWA-KUROKI SYNDROME; Kabuki make-up syndrome. Identifiers: Orphanet 2322, MedGen C0796004, MONDO:0016512.

Submission:

Labcorp Genetics (formerly Invitae), Labcorp
Classification: Uncertain significance for Kabuki syndrome. Last evaluated: 2024-01-02. Review status: criteria provided, single submitter. Criteria: Invitae Variant Classification Sherloc (09022015). Collection method: clinical testing. Allele origin: germline.
Comment: This sequence change replaces proline, which is neutral and non-polar, with arginine, which is basic and polar, at codon 1141 of the KMT2D protein (p.Pro1141Arg). This variant is not present in population databases (gnomAD no frequency). This variant has not been reported in the literature in individuals affected with KMT2D-related conditions. Advanced modeling of protein sequence and biophysical properties (such as structural, functional, and spatial information, amino acid conservation, physicochemical variation, residue mobility, and thermodynamic stability) performed at Invitae indicates that this missense variant is not expected to disrupt KMT2D protein function with a negative predictive value of 95%. In summary, the available evidence is currently insufficient to determine the role of this variant in disease. Therefore, it has been classified as a Variant of Uncertain Significance.